The following is an entry in ClinVar:

ClinVar aggregate classification (germline): Likely benign (1 of 4 stars; one submission).

Submission:

CeGaT Center for Human Genetics Tuebingen
Classification: Likely benign. Last evaluated: 2023-08-01. Review status: criteria provided, single submitter. Criteria: CeGaT Center For Human Genetics Tuebingen Variant Classification Criteria Version 2. Collection method: clinical testing. Allele origin: germline. Affected: yes. Observed: 1 variant allele.
Comment: GXYLT1: BP4, BP7

NM_173601.2(GXYLT1):c.21C>G (p.Val7=)

Genes: GXYLT1 (glucoside xylosyltransferase 1; minus strand), LOC130007693 (ATAC-STARR-seq lymphoblastoid silent region 4358; plus strand). Cytogenetic location: 12q12.
Variant type: single nucleotide variant.
Coding change: c.21C>G on transcript NM_173601.2 (MANE Select); coding-DNA position 21, C replaced by G.
Protein change: p.Val7=; no amino-acid change (valine 7 retained).
Molecular consequence: synonymous variant.
Genome position (GRCh38, 1-based): chr12:42,144,626, G>C on the plus strand (C>G on the coding strand, the complement: GXYLT1 is on the minus strand). VCF-style: chr12-42144626-G-C. GRCh37 (hg19) VCF-style: chr12-42538428-G-C.
Other names: c.21C>G, p.Val7= (NM_001099650.2).
Identifiers: ClinVar variation 2642900 (VCV002642900.24), dbSNP rs779360753, ClinGen allele CA6518514.